The following is an entry in ClinVar:

ClinVar aggregate classification (germline): Likely benign. Review status: criteria provided, multiple submitters, no conflicts (2 of 4 stars). 10 submissions from 8 submitters: Likely benign (7). 3 of the submissions do not count toward it. Last evaluated 2025-12-11.

Conditions:
Retinitis pigmentosa 12 (RP12). Also called: RP WITH OR WITHOUT PRESERVED PARAARTERIOLE RETINAL PIGMENT EPITHELIUM; RETINITIS PIGMENTOSA WITH OR WITHOUT PARAARTERIOLAR PRESERVATION OF RETINAL PIGMENT EPITHELIUM; RP WITH OR WITHOUT PPRPE. Identifiers: Orphanet 791, MedGen C1838647, MONDO:0010818, OMIM 600105.
Leber congenital amaurosis 8 (LCA8). Identifiers: Orphanet 65, MedGen C3151202, MONDO:0013453, OMIM 613835.
Leber congenital amaurosis (LCA). Also called: Leber's amaurosis. Identifiers: Orphanet 65, MedGen C0339527, MeSH D057130, MONDO:0018998.
Pigmented paravenous retinochoroidal atrophy. Identifiers: Orphanet 251295, MedGen C1868310, MONDO:0008246, OMIM 172870.
CRB1-related disorder. Also called: CRB1-related disorders; CRB1-related condition.

Allele frequency attached by ClinVar (database versions not stated): 1000 Genomes Project 30x 0.00016; 1000 Genomes Project 0.00020; ESP Exome Variant Server 0.00023; gnomAD 0.00025; TOPMed 0.00037.
gnomAD v4.1: 641 of 1,613,846 alleles (0.04%); highest among the groups gnomAD compares: Admixed American, 0.2%; 2 homozygotes.

Submissions (10):

Labcorp Genetics (formerly Invitae), Labcorp
Classification: Likely benign for Leber congenital amaurosis 8; Retinitis pigmentosa 12. Last evaluated: 2025-12-11. Review status: criteria provided, single submitter. Criteria: Invitae Variant Classification Sherloc (09022015). Collection method: clinical testing. Allele origin: germline.

Blueprint Genetics
Classification: Likely benign. Last evaluated: 2024-10-25. Review status: criteria provided, single submitter. Criteria: ACMG Guidelines, 2015. Collection method: clinical testing. Allele origin: germline.

Genome-Nilou Lab
Classification: Likely benign for Leber congenital amaurosis 8. Last evaluated: 2023-04-11. Review status: criteria provided, single submitter. Criteria: ACMG Guidelines, 2015. Collection method: clinical testing. Allele origin: germline. Affected: no.

Genome-Nilou Lab
Classification: Likely benign for Pigmented paravenous retinochoroidal atrophy. Last evaluated: 2023-04-11. Review status: criteria provided, single submitter. Criteria: ACMG Guidelines, 2015. Collection method: clinical testing. Allele origin: germline. Affected: no.

Genome-Nilou Lab
Classification: Likely benign for Retinitis pigmentosa 12. Last evaluated: 2023-04-11. Review status: criteria provided, single submitter. Criteria: ACMG Guidelines, 2015. Collection method: clinical testing. Allele origin: germline. Affected: no.

Illumina Laboratory Services, Illumina
Classification: Likely benign for Leber congenital amaurosis 8. Last evaluated: 2017-04-27. Review status: criteria provided, single submitter. Criteria: ICSL Variant Classification Criteria 13 December 2019. Collection method: clinical testing. Allele origin: germline.
Comment: This variant was observed as part of a predisposition screen in an ostensibly healthy population. A literature search was performed for the gene, cDNA change, and amino acid change (where applicable). Publications were found based on this search. The evidence from the literature, in combination with allele frequency data from public databases where available, was sufficient to determine this variant is unlikely to cause disease. Therefore, this variant is classified as likely benign.

Breakthrough Genomics
Classification: Likely benign. Review status: criteria provided, single submitter. Criteria: ACMG Guidelines, 2015. Collection method: not provided. Allele origin: germline. Inheritance: Autosomal recessive inheritance. Affected: yes.

PreventionGenetics, part of Exact Sciences
Classification: Likely benign for CRB1-related condition. Last evaluated: 2024-07-25. Review status: no assertion criteria provided. Collection method: clinical testing. Allele origin: germline. Not counted in ClinVar's aggregate classification.
Comment: This variant is classified as likely benign based on ACMG/AMP sequence variant interpretation guidelines (Richards et al. 2015 PMID: 25741868, with internal and published modifications).

Natera, Inc.
Classification: Likely benign for Leber congenital amaurosis. Last evaluated: 2020-09-16. Review status: no assertion criteria provided. Collection method: clinical testing. Allele origin: germline. Not counted in ClinVar's aggregate classification.

Retina International
No classification provided. Review status: no classification provided. Collection method: not provided. Allele origin: not provided. Not counted in ClinVar's aggregate classification.

Literature cited by the submitters: PubMed 21602930 (cited by Illumina Laboratory Services, Illumina); PubMed 15459956 (cited by Illumina Laboratory Services, Illumina); PubMed 17724218 (cited by Illumina Laboratory Services, Illumina).

NM_201253.3(CRB1):c.866C>T (p.Thr289Met)

Gene: CRB1 (crumbs cell polarity complex component 1; plus strand). Cytogenetic location: 1q31.3.
Variant type: single nucleotide variant.
Coding change: c.866C>T on transcript NM_201253.3 (MANE Select); coding-DNA position 866, C replaced by T.
Protein change: p.Thr289Met; replaces threonine 289 with methionine.
Molecular consequence: missense variant. On other transcripts: non-coding transcript variant (2), intron variant (1).
Genome position (GRCh38, 1-based): chr1:197,347,357, C>T. VCF-style: chr1-197347357-C-T. GRCh37 (hg19) VCF-style: chr1-197316487-C-T.
Other names: c.659C>T, p.Thr220Met (NM_001257965.2); c.866C>T, p.Thr289Met (NM_001257966.2); c.653-9474C>T (NM_001193640.2); short protein forms T289M, T220M.
Identifiers: ClinVar variation 99917 (VCV000099917.20), dbSNP rs62636263, ClinGen allele CA228059.
Genomic context (GRCh38, chr1:197,347,357, plus strand): 5'-AATATGACTAAGAGTTGACATGAAAATTTCATTTACTTTCCAGATATAGCTGTAACTGCA[C>T]GGGTAGTGGATTCACAGGGACACACTGTGAGACCTTGATGCCTCTTTGTTGGTCAAAACC-3'
Protein context (NP_957705.1, residues 279-299): DGENRYSCNC[Thr289Met]GSGFTGTHCE